The following is an entry in ClinVar:

ClinVar aggregate classification (germline): Likely benign (0 of 4 stars; one submission).

Conditions:
SDCCAG8-related disorder. Also called: SDCCAG8-Related Disorders; SDCCAG8-related condition.

Submission:

PreventionGenetics, part of Exact Sciences
Classification: Likely benign for SDCCAG8-related condition. Last evaluated: 2022-12-29. Review status: no assertion criteria provided. Collection method: clinical testing. Allele origin: germline.
Comment: This variant is classified as likely benign based on ACMG/AMP sequence variant interpretation guidelines (Richards et al. 2015 PMID: 25741868, with internal and published modifications).

NM_006642.5(SDCCAG8):c.740+356C>G

Gene: SDCCAG8 (SHH signaling and ciliogenesis regulator SDCCAG8; plus strand). Cytogenetic location: 1q43.
Variant type: single nucleotide variant.
Coding change: c.740+356C>G on transcript NM_006642.5 (MANE Select); 356 bases into the intron after coding-DNA position 740, C replaced by G.
Molecular consequence: intron variant. On other transcripts: 5 prime UTR variant (1).
Genome position (GRCh38, 1-based): chr1:243,305,133, C>G. VCF-style: chr1-243305133-C-G. GRCh37 (hg19) VCF-style: chr1-243468435-C-G.
Other names: c.-416C>G (NM_001350251.2); c.446+356C>G (NM_001350249.2); c.836+356C>G (NM_001350248.2); c.-261+10C>G (NM_001350246.2); c.-261+356C>G (NM_001350247.2).
Identifiers: ClinVar variation 3035710 (VCV003035710.2), dbSNP rs397515337, ClinGen allele CA2740092664.